The following is an entry in ClinVar:

NM_018344.6(SLC29A3):c.7G>A (p.Val3Ile)

Gene: SLC29A3 (solute carrier family 29 member 3; plus strand). Cytogenetic location: 10q22.1.
Variant type: single nucleotide variant.
Coding change: c.7G>A on transcript NM_018344.6 (MANE Select); coding-DNA position 7, G replaced by A.
Protein change: p.Val3Ile; replaces valine 3 with isoleucine.
Molecular consequence: missense variant. On other transcripts: 5 prime UTR variant (1), non-coding transcript variant (2).
Genome position (GRCh38, 1-based): chr10:71,322,761, G>A. VCF-style: chr10-71322761-G-A. GRCh37 (hg19) VCF-style: chr10-73082518-G-A.
Other names: c.7G>A, p.Val3Ile (NM_001174098.2); c.-228G>A (NM_001363518.2); short protein forms V3I.
Identifiers: ClinVar variation 1515061 (VCV001515061.6), dbSNP rs774843880, ClinGen allele CA5542793.

ClinVar aggregate classification (germline): Uncertain significance (1 of 4 stars; one submission).

Conditions:
H syndrome. Also called: FAISALABAD HISTIOCYTOSIS; Histiocytosis with joint contractures and sensorineural deafness; Pigmented hypertrichosis and insulin-dependent diabetes mellitus; HISTIOCYTOSIS AND LYMPHADENOPATHY WITH OR WITHOUT CUTANEOUS, CARDIAC, AND/OR ENDOCRINE FEATURES, JOINT CONTRACTURES, AND/OR DEAFNESS; HYPERPIGMENTATION, CUTANEOUS, WITH HYPERTRICHOSIS, HEPATOSPLENOMEGALY, HEART ANOMALIES, AND HYPOGONADISM WITH OR WITHOUT HEARING LOSS; PIGMENTED HYPERTRICHOSIS WITH INSULIN-DEPENDENT DIABETES MELLITUS. Identifiers: Orphanet 168569, MedGen C1864445, MONDO:0011273, OMIM 602782.

Allele frequency attached by ClinVar (database versions not stated): TOPMed below 0.00001; ExAC 0.00001; gnomAD 0.00001; gnomAD exomes 0.00001.
gnomAD v4.1: 9 of 1,613,934 alleles (0.00056%); highest among the groups gnomAD compares: East Asian, 0.0022%; no homozygotes.

Submission:

Labcorp Genetics (formerly Invitae), Labcorp
Classification: Uncertain significance for H syndrome. Last evaluated: 2024-02-24. Review status: criteria provided, single submitter. Criteria: Invitae Variant Classification Sherloc (09022015). Collection method: clinical testing. Allele origin: germline.
Comment: This sequence change replaces valine, which is neutral and non-polar, with isoleucine, which is neutral and non-polar, at codon 3 of the SLC29A3 protein (p.Val3Ile). This variant is present in population databases (rs774843880, gnomAD 0.003%). This variant has not been reported in the literature in individuals affected with SLC29A3-related conditions. ClinVar contains an entry for this variant (Variation ID: 1515061). Advanced modeling of protein sequence and biophysical properties (such as structural, functional, and spatial information, amino acid conservation, physicochemical variation, residue mobility, and thermodynamic stability) performed at Invitae indicates that this missense variant is not expected to disrupt SLC29A3 protein function with a negative predictive value of 80%. In summary, the available evidence is currently insufficient to determine the role of this variant in disease. Therefore, it has been classified as a Variant of Uncertain Significance.